The following is an entry in ClinVar:

ClinVar aggregate classification (germline): Uncertain significance (1 of 4 stars; one submission).

Allele frequency attached by ClinVar (database versions not stated): TOPMed below 0.00001; gnomAD 0.00001.
gnomAD v4.1: 14 of 1,595,712 alleles (0.00088%); highest among the groups gnomAD compares: Non-Finnish European, 0.0012%; no homozygotes.

Submission:

Labcorp Genetics (formerly Invitae), Labcorp
Classification: Uncertain significance. Last evaluated: 2023-10-13. Review status: criteria provided, single submitter. Criteria: Invitae Variant Classification Sherloc (09022015). Collection method: clinical testing. Allele origin: germline.
Comment: This sequence change replaces serine, which is neutral and polar, with cysteine, which is neutral and slightly polar, at codon 219 of the TONSL protein (p.Ser219Cys). This variant is present in population databases (no rsID available, gnomAD 0.0009%). This variant has not been reported in the literature in individuals affected with TONSL-related conditions. ClinVar contains an entry for this variant (Variation ID: 1936702). Advanced modeling of protein sequence and biophysical properties (such as structural, functional, and spatial information, amino acid conservation, physicochemical variation, residue mobility, and thermodynamic stability) performed at Invitae indicates that this missense variant is expected to disrupt TONSL protein function. In summary, the available evidence is currently insufficient to determine the role of this variant in disease. Therefore, it has been classified as a Variant of Uncertain Significance.

NM_013432.5(TONSL):c.656C>G (p.Ser219Cys)

Gene: TONSL (tonsoku like, DNA repair protein; minus strand). Cytogenetic location: 8q24.3.
Variant type: single nucleotide variant.
Coding change: c.656C>G on transcript NM_013432.5 (MANE Select); coding-DNA position 656, C replaced by G.
Protein change: p.Ser219Cys; replaces serine 219 with cysteine.
Molecular consequence: missense variant.
Genome position (GRCh38, 1-based): chr8:144,442,335, G>C on the plus strand (C>G on the coding strand, the complement: TONSL is on the minus strand). VCF-style: chr8-144442335-G-C. GRCh37 (hg19) VCF-style: chr8-145667718-G-C.
Other names: short protein forms S219C.
Identifiers: ClinVar variation 1936702 (VCV001936702.3), dbSNP rs1309568313, ClinGen allele CA372676722.
Genomic context (GRCh38, chr8:144,442,335, plus strand): 5'-AACCGCTTCCTCATGGTGTGCGCACACTCCCGGGCACCCTCCAAGCAGCGCATAGCCTGG[G>C]AGTGCTGGCCCGCGCGCCAGTGGATGGTGCCCAGGTTGTAGCGGGCGCGGAATAGGTCCT-3'
Protein context (NP_038460.4, residues 209-229): GTIHWRAGQH[Ser219Cys]QAMRCLEGAR